The following is an entry in ClinVar:

ClinVar aggregate classification (germline): Uncertain significance (1 of 4 stars; one submission).

Conditions:
Malignant hyperthermia, susceptibility to, 1 (MHS1). Also called: Anesthesia related hyperthermia; Malignant hyperpyrexia; Fulminating hyperpyrexia; Pharmacogenic myopathy; RYR1-Related Malignant Hyperthermia Susceptibility; Malignant hyperthermia suceptibility 1. Identifiers: Orphanet 423, MedGen C2930980, MONDO:0007783, OMIM 145600.

Allele frequency attached by ClinVar (database versions not stated): TOPMed below 0.00001; gnomAD 0.00001.
gnomAD v4.1: 1 of 1,613,900 alleles (0.000062%); highest among the groups gnomAD compares: Non-Finnish European, 0.000085%; no homozygotes.

Submission:

All of Us Research Program, National Institutes of Health
Classification: Uncertain significance for Malignant hyperthermia, susceptibility to, 1. Last evaluated: 2023-05-04. Review status: criteria provided, single submitter. Criteria: ACMG Guidelines, 2015. Collection method: clinical testing. Allele origin: germline. Inheritance: Autosomal dominant inheritance. Observed: 1 variant allele, 1 heterozygote.
Comment: This missense variant replaces glutamic acid with glycine at codon 669 of the RYR1 protein. Computational prediction suggests that this variant may not impact protein structure and function (internally defined REVEL score threshold <= 0.5, PMID: 27666373). To our knowledge, functional studies have not been reported for this variant. This variant has not been reported in individuals affected with RYR1-related disorders in the literature. This variant has not been identified in the general population by the Genome Aggregation Database (gnomAD). The available evidence is insufficient to determine the role of this variant in disease conclusively. Therefore, this variant is classified as a Variant of Uncertain Significance.

This study involves interpretation of variants in research participants for the purpose of population health screening. Participant phenotype was not available at the time of variant classification. Additional details can be found in publication PMID: 35346344, PMCID: PMC8962531

NM_000540.3(RYR1):c.2006A>G (p.Glu669Gly)

Gene: RYR1 (ryanodine receptor 1; plus strand). Cytogenetic location: 19q13.2.
Variant type: single nucleotide variant.
Coding change: c.2006A>G on transcript NM_000540.3 (MANE Select); coding-DNA position 2006, A replaced by G.
Protein change: p.Glu669Gly; replaces glutamic acid 669 with glycine.
Molecular consequence: missense variant.
Genome position (GRCh38, 1-based): chr19:38,458,131, A>G. VCF-style: chr19-38458131-A-G. GRCh37 (hg19) VCF-style: chr19-38948771-A-G.
Other names: c.2006A>G, p.Glu669Gly (NM_001042723.2); short protein forms E669G.
Identifiers: ClinVar variation 3070828 (VCV003070828.1), dbSNP rs1222454745, ClinGen allele CA405696077.